The following is an entry in ClinVar:

NM_002637.4(PHKA1):c.2526+6A>G

Gene: PHKA1 (phosphorylase kinase regulatory subunit alpha 1; minus strand). Cytogenetic location: Xq13.1.
Variant type: single nucleotide variant.
Coding change: c.2526+6A>G on transcript NM_002637.4 (MANE Select); 6 bases into the intron after coding-DNA position 2526, A replaced by G.
Molecular consequence: intron variant.
Genome position (GRCh38, 1-based): chrX:72,611,022, T>C on the plus strand (A>G on the coding strand, the complement: PHKA1 is on the minus strand). VCF-style: chrX-72611022-T-C. GRCh37 (hg19) VCF-style: chrX-71830872-T-C.
Other names: c.2349+6A>G (NM_001172436.2); c.2526+6A>G (NM_001122670.2).
Identifiers: ClinVar variation 3022123 (VCV003022123.3), dbSNP rs1556259520, ClinGen allele CA642480853.

ClinVar aggregate classification (germline): Uncertain significance (1 of 4 stars; one submission).

Conditions:
Glycogen storage disease IXd (GSD9D). Also called: Muscle Phosphorylase Kinase Deficiency; GSD IXd. Identifiers: Orphanet 715, MedGen C1845151, MONDO:0010362, OMIM 300559.

Allele frequency attached by ClinVar (database versions not stated): gnomAD exomes below 0.00001.
gnomAD v4.1: 3 of 1,189,586 alleles (0.00025%); highest among the groups gnomAD compares: Middle Eastern, 0.023%; no homozygotes.

Submission:

Labcorp Genetics (formerly Invitae), Labcorp
Classification: Uncertain significance for Glycogen storage disease IXd. Last evaluated: 2024-11-11. Review status: criteria provided, single submitter. Criteria: Invitae Variant Classification Sherloc (09022015). Collection method: clinical testing. Allele origin: germline.
Comment: This sequence change falls in intron 22 of the PHKA1 gene. It does not directly change the encoded amino acid sequence of the PHKA1 protein. It affects a nucleotide within the consensus splice site. The frequency data for this variant in the population databases is considered unreliable, as metrics indicate poor data quality at this position in the gnomAD database. This variant has not been reported in the literature in individuals affected with PHKA1-related conditions. ClinVar contains an entry for this variant (Variation ID: 3022123). Variants that disrupt the consensus splice site are a relatively common cause of aberrant splicing (PMID: 17576681, 9536098). Algorithms developed to predict the effect of sequence changes on RNA splicing suggest that this variant is not likely to affect RNA splicing. In summary, the available evidence is currently insufficient to determine the role of this variant in disease. Therefore, it has been classified as a Variant of Uncertain Significance.

Literature cited by the submitters: PubMed 17576681; PubMed 9536098.